The following is an entry in ClinVar:

ClinVar aggregate classification (germline): Uncertain significance (1 of 4 stars; one submission).

Conditions:
PPM1F-related condition.

gnomAD v4.1: 13 of 1,545,926 alleles (0.00084%); highest among the groups gnomAD compares: South Asian, 0.015%; no homozygotes.

Submission:

PreventionGenetics, part of Exact Sciences
Classification: Uncertain significance for PPM1F-related condition. Last evaluated: 2026-06-09. Review status: criteria provided, single submitter. Criteria: ACMG Guidelines, 2015. Collection method: clinical testing. Allele origin: germline.
Comment: The PPM1F c.14C>T variant is predicted to result in the amino acid substitution p.Ala5Val. To our knowledge, this variant has not been reported in the literature. This variant is reported in 0.024% of alleles in individuals of South Asian descent in gnomAD. At this time, the clinical significance of this variant is uncertain due to the absence of conclusive functional and genetic evidence.

NM_014634.4(PPM1F):c.14C>T (p.Ala5Val)

Gene: PPM1F (protein phosphatase, Mg2+/Mn2+ dependent 1F; minus strand). Cytogenetic location: 22q11.22.
Variant type: single nucleotide variant.
Coding change: c.14C>T on transcript NM_014634.4 (MANE Select); coding-DNA position 14, C replaced by T.
Protein change: p.Ala5Val; replaces alanine 5 with valine.
Molecular consequence: missense variant. On other transcripts: intron variant (1).
Genome position (GRCh38, 1-based): chr22:21,946,035, G>A on the plus strand (C>T on the coding strand, the complement: PPM1F is on the minus strand). VCF-style: chr22-21946035-G-A. GRCh37 (hg19) VCF-style: chr22-22300407-G-A.
Other names: c.-298-6355C>T (NM_001410836.1); short protein forms A5V.
Identifiers: ClinVar variation 4978611 (VCV004978611.1).